The following is an entry in ClinVar:

NM_012062.5(DNM1L):c.571A>G (p.Met191Val)

Gene: DNM1L (dynamin 1 like; plus strand). Cytogenetic location: 12p11.21.
Variant type: single nucleotide variant.
Coding change: c.571A>G on transcript NM_012062.5 (MANE Select); coding-DNA position 571, A replaced by G.
Protein change: p.Met191Val; replaces methionine 191 with valine.
Molecular consequence: missense variant. On other transcripts: intron variant (1).
Genome position (GRCh38, 1-based): chr12:32,713,323, A>G. VCF-style: chr12-32713323-A-G. GRCh37 (hg19) VCF-style: chr12-32866257-A-G.
Other names: c.571A>G, p.Met191Val (NM_001278463.2, NM_005690.5, NM_012063.4); c.610A>G, p.Met204Val (NM_001278464.2, NM_001278465.2, NM_001330380.2); c.131+5910A>G (NM_001278466.2); short protein forms M191V, M204V.
Identifiers: ClinVar variation 2431879 (VCV002431879.5), dbSNP rs1409512648, ClinGen allele CA384367768.
Genomic context (GRCh38, chr12:32,713,323, plus strand): 5'-CTTCGGTTCATCAGTAATCCTAATTCCATTATCCTCGCTGTCACTGCTGCTAATACAGAT[A>G]TGGCAACATCAGAGGCACTTAAAATTTCAAGAGAGGTAGATCCAGATGGTAAGGACAGAT-3'
Protein context (NP_036192.2, residues 181-201): ILAVTAANTD[Met191Val]ATSEALKISR

ClinVar aggregate classification (germline): Uncertain significance. Review status: criteria provided, multiple submitters, no conflicts (2 of 4 stars). 2 submissions from 2 submitters: Uncertain significance (2). Last evaluated 2023-05-02.

Conditions:
Encephalopathy, lethal, due to defective mitochondrial peroxisomal fission 1. Identifiers: Orphanet 330050, MedGen C3280660, MONDO:0013726, OMIM 614388.

Allele frequency attached by ClinVar (database versions not stated): TOPMed below 0.00001; gnomAD 0.00001; gnomAD exomes 0.00001.

Submissions (2):

Labcorp Genetics (formerly Invitae), Labcorp
Classification: Uncertain significance. Last evaluated: 2023-05-02. Review status: criteria provided, single submitter. Criteria: Invitae Variant Classification Sherloc (09022015). Collection method: clinical testing. Allele origin: germline.
Comment: ClinVar contains an entry for this variant (Variation ID: 2431879). An algorithm developed to predict the effect of missense changes on protein structure and function (PolyPhen-2) suggests that this variant is likely to be tolerated. In summary, the available evidence is currently insufficient to determine the role of this variant in disease. Therefore, it has been classified as a Variant of Uncertain Significance. This sequence change replaces methionine, which is neutral and non-polar, with valine, which is neutral and non-polar, at codon 191 of the DNM1L protein (p.Met191Val). This variant is not present in population databases (gnomAD no frequency). This variant has not been reported in the literature in individuals affected with DNM1L-related conditions.

Laboratorio de Genetica e Diagnostico Molecular, Hospital Israelita Albert Einstein
Classification: Uncertain significance for Encephalopathy, lethal, due to defective mitochondrial peroxisomal fission 1. Last evaluated: 2022-03-08. Review status: criteria provided, single submitter. Criteria: ACMG Guidelines, 2015. Collection method: clinical testing. Allele origin: germline. Affected: yes.
Comment: ACMG classification criteria: PM2 moderated, PP2 supporting, PP3 supporting